The following is an entry in ClinVar:

ClinVar aggregate classification (germline): Uncertain significance (1 of 4 stars; one submission).

Conditions:
NR0B2-related disorder. Also called: NR0B2-related condition.

Submission:

PreventionGenetics, part of Exact Sciences
Classification: Uncertain significance for NR0B2-related condition. Last evaluated: 2026-07-22. Review status: criteria provided, single submitter. Criteria: ACMG Guidelines, 2015. Collection method: clinical testing. Allele origin: germline.
Comment: The NR0B2 c.123delT variant is predicted to result in premature protein termination (p.Cys41*). To our knowledge, this variant has not been reported in the literature. This variant is reported in 0.0029% of alleles in individuals of European (Non-Finnish) descent in gnomAD. Heterozygous chain-terminating variants have been associated with mild obesity in a small number of subjects in the literature (Nishigori et al. 2001. PubMed ID: 11136233; Enya et al. 2008. PubMed ID: 18781616); however, genomic data from the gnomAD cohort suggests that NR0B2 is tolerant to chain-terminating variants. Although we suspect that this variant may be pathogenic, at this time, the clinical significance of this variant is uncertain due to the absence of conclusive functional and genetic evidence.

NM_021969.3(NR0B2):c.123del (p.Leu40_Cys41insTer)

Genes: NR0B2 (nuclear receptor subfamily 0 group B member 2; minus strand), NUDC (nuclear distribution C, dynein complex regulator; plus strand). Cytogenetic location: 1p36.11.
Variant type: Deletion.
Coding change: c.123del on transcript NM_021969.3 (MANE Select); coding-DNA position 123, one base deleted (T; older notation c.123delT).
Protein change: p.Leu40_Cys41insTer.
Molecular consequence: nonsense.
Genome position (GRCh38, 1-based): chr1:26,913,818, A deleted on the plus strand (T on the coding strand, the reverse complement: NR0B2 is on the minus strand). VCF-style (leftmost placement, unchanged base first): chr1-26913817-TA-T. GRCh37 (hg19) VCF-style: chr1-27240308-TA-T.
Identifiers: ClinVar variation 4985926 (VCV004985926.1).